The following is an entry in ClinVar:

NM_001111.5(ADAR):c.2417A>T (p.Glu806Val)

Gene: ADAR (adenosine deaminase RNA specific; minus strand). Cytogenetic location: 1q21.3.
Variant type: single nucleotide variant.
Coding change: c.2417A>T on transcript NM_001111.5 (MANE Select); coding-DNA position 2417, A replaced by T.
Protein change: p.Glu806Val; replaces glutamic acid 806 with valine.
Molecular consequence: missense variant.
Genome position (GRCh38, 1-based): chr1:154,590,263, T>A on the plus strand (A>T on the coding strand, the complement: ADAR is on the minus strand). VCF-style: chr1-154590263-T-A. GRCh37 (hg19) VCF-style: chr1-154562739-T-A.
Other names: c.1532A>T, p.Glu511Val (NM_001025107.3, NM_001193495.2, NM_001365046.1 and 3 more transcripts); c.2444A>T, p.Glu815Val (NM_001365045.1); c.2417A>T, p.Glu806Val (NM_015840.4); c.2360A>T, p.Glu787Val (NM_015841.4); short protein forms E511V, E787V, E806V, E815V.
Identifiers: ClinVar variation 3750021 (VCV003750021.2).

ClinVar aggregate classification (germline): Uncertain significance (1 of 4 stars; one submission).

Conditions:
Aicardi-Goutieres syndrome 6 (AGS6). Identifiers: Orphanet 51, MedGen C3539013, MONDO:0014007, OMIM 615010.
Symmetrical dyschromatosis of extremities (DSH). Also called: Dyschromatosis symmetrica hereditaria; RETICULATE ACROPIGMENTATION OF DOHI; SYMMETRIC DYSCHROMATOSIS OF THE EXTREMITIES; DYSCHROMATOSIS SYMMETRICA HEREDITARIA 1. Identifiers: Orphanet 41, MedGen C0406775, MONDO:0007483, OMIM 127400.

Submission:

Labcorp Genetics (formerly Invitae), Labcorp
Classification: Uncertain significance for Aicardi-Goutieres syndrome 6; Symmetrical dyschromatosis of extremities. Last evaluated: 2025-05-07. Review status: criteria provided, single submitter. Criteria: Invitae Variant Classification Sherloc (09022015). Collection method: clinical testing. Allele origin: germline.
Comment: This sequence change replaces glutamic acid, which is acidic and polar, with valine, which is neutral and non-polar, at codon 806 of the ADAR protein (p.Glu806Val). This variant is not present in population databases (gnomAD no frequency). This variant has not been reported in the literature in individuals affected with ADAR-related conditions. ClinVar contains an entry for this variant (Variation ID: 3750021). Invitae Evidence Modeling of protein sequence and biophysical properties (such as structural, functional, and spatial information, amino acid conservation, physicochemical variation, residue mobility, and thermodynamic stability) indicates that this missense variant is not expected to disrupt ADAR protein function with a negative predictive value of 80%. In summary, the available evidence is currently insufficient to determine the role of this variant in disease. Therefore, it has been classified as a Variant of Uncertain Significance.